The following is an entry in ClinVar:

ClinVar aggregate classification (germline): Likely benign (1 of 4 stars; one submission).

Conditions:
Growth delay due to insulin-like growth factor I resistance. Also called: Somatomedin end-organ insensitivity to; Somatomedin-c resistance to; IGF-1 resistance; IGF-I RESISTANCE; Insulin-Like Growth Factor I Resistance. Identifiers: Orphanet 73273, MedGen C1849157, MONDO:0010038, OMIM 270450.

Allele frequency attached by ClinVar (database versions not stated): gnomAD exomes 0.00038; 1000 Genomes Project 30x 0.00156; TOPMed 0.00160; gnomAD 0.00161 and 0.00175; 1000 Genomes Project 0.00200.
gnomAD v4.1: 273 of 233,342 alleles (0.12%); highest among the groups gnomAD compares: African/African-American, 0.58%; no homozygotes.

Submission:

Illumina Laboratory Services, Illumina
Classification: Likely benign for Growth delay due to insulin-like growth factor I resistance. Last evaluated: 2018-01-13. Review status: criteria provided, single submitter. Criteria: ICSL Variant Classification Criteria 13 December 2019. Collection method: clinical testing. Allele origin: germline.
Comment: This variant was observed in the ICSL laboratory as part of a predisposition screen in an ostensibly healthy population. It had not been previously curated by ICSL or reported in the Human Gene Mutation Database (HGMD: prior to June 1st, 2018), and was therefore a candidate for classification through an automated scoring system. Utilizing variant allele frequency, disease prevalence and penetrance estimates, and inheritance mode, an automated score was calculated to assess if this variant is too frequent to cause the disease. Based on the score and internal cut-off values, a variant classified as likely benign is not then subjected to further curation. The score for this variant resulted in a classification of likely benign for this disease.

NM_000875.5(IGF1R):c.*4762G>A

Gene: IGF1R (insulin like growth factor 1 receptor; plus strand). Cytogenetic location: 15q26.3.
Variant type: single nucleotide variant.
Coding change: c.*4762G>A on transcript NM_000875.5 (MANE Select); 4762 bases downstream of the stop codon, G replaced by A.
Molecular consequence: 3 prime UTR variant.
Genome position (GRCh38, 1-based): chr15:98,962,204, G>A. VCF-style: chr15-98962204-G-A. GRCh37 (hg19) VCF-style: chr15-99505433-G-A.
Other names: c.*4762G>A (NM_001291858.2).
Identifiers: ClinVar variation 886150 (VCV000886150.4), dbSNP rs141930766, ClinGen allele CA275339470.